The following is an entry in ClinVar:

NM_020971.3(SPTBN4):c.5099G>A (p.Arg1700Gln)

Gene: SPTBN4 (spectrin beta, non-erythrocytic 4; plus strand). Cytogenetic location: 19q13.2.
Variant type: single nucleotide variant.
Coding change: c.5099G>A on transcript NM_020971.3 (MANE Select); coding-DNA position 5099, G replaced by A.
Protein change: p.Arg1700Gln; replaces arginine 1700 with glutamine.
Molecular consequence: missense variant.
Genome position (GRCh38, 1-based): chr19:40,556,098, G>A. VCF-style: chr19-40556098-G-A. GRCh37 (hg19) VCF-style: chr19-41062004-G-A.
Other names: c.1127G>A, p.Arg376Gln (NM_025213.3); short protein forms R376Q, R1700Q.
Identifiers: ClinVar variation 2222677 (VCV002222677.3), dbSNP rs201387261, ClinGen allele CA9446394.

ClinVar aggregate classification (germline): Conflicting classifications of pathogenicity. Review status: criteria provided, conflicting classifications (1 of 4 stars). 2 submissions from 2 submitters: Uncertain significance (1); Likely benign (1). Last evaluated 2024-09-20.

Conditions:
Inborn genetic diseases. Identifiers: MedGen C0950123, MeSH D030342.
Neurodevelopmental disorder with hypotonia, neuropathy, and deafness (NEDHND). Also called: SPTBN4 Disorder; Myopathy, congenital, with neuropathy and deafness. Identifiers: MedGen C4479603, MONDO:0060496, OMIM 617519.

Allele frequency attached by ClinVar (database versions not stated): TOPMed 0.00004; ExAC 0.00005; gnomAD 0.00005; gnomAD exomes 0.00007; ESP Exome Variant Server 0.00008; 1000 Genomes Project 30x 0.00016; 1000 Genomes Project 0.00020.
gnomAD v4.1: 102 of 1,611,248 alleles (0.0063%); highest among the groups gnomAD compares: East Asian, 0.022%; no homozygotes.

Submissions (2):

3billion
Classification: Likely benign for Neurodevelopmental disorder with hypotonia, neuropathy, and deafness. Last evaluated: 2024-09-20. Review status: criteria provided, single submitter. Criteria: ACMG Guidelines, 2015. Collection method: clinical testing. Allele origin: germline. Affected: no.
Comment: The homozygous variant was found in patients diagnosed with another variant in a different gene, with no symptoms related to the gene containing the homozygous variant.

Ambry Genetics
Classification: Uncertain significance for Inborn genetic diseases. Last evaluated: 2022-11-18. Review status: criteria provided, single submitter. Criteria: Ambry Variant Classification Scheme 2023. Collection method: clinical testing. Allele origin: germline.